The following is an entry in ClinVar:

ClinVar aggregate classification (germline): Uncertain significance. Review status: criteria provided, multiple submitters, no conflicts (2 of 4 stars). 2 submissions from 2 submitters: Uncertain significance (2). Last evaluated 2025-03-22.

Conditions:
Inborn genetic diseases. Identifiers: MedGen C0950123, MeSH D030342.
Dyskeratosis congenita, autosomal dominant 6 (DKCA6). Identifiers: Orphanet 3322, MedGen C4225284, MONDO:0014690, OMIM 616553.

gnomAD v4.1: 2 of 1,612,374 alleles (0.00012%); highest among the groups gnomAD compares: Non-Finnish European, 0.00017%; no homozygotes.

Submissions (2):

Ambry Genetics
Classification: Uncertain significance for Inborn genetic diseases. Last evaluated: 2025-03-22. Review status: criteria provided, single submitter. Criteria: Ambry Variant Classification Scheme 2023. Collection method: clinical testing. Allele origin: germline.

Labcorp Genetics (formerly Invitae), Labcorp
Classification: Uncertain significance for Dyskeratosis congenita, autosomal dominant 6. Last evaluated: 2020-11-11. Review status: criteria provided, single submitter. Criteria: Invitae Variant Classification Sherloc (09022015). Collection method: clinical testing. Allele origin: germline.
Comment: This sequence change replaces proline with alanine at codon 75 of the ACD protein (p.Pro75Ala). The proline residue is weakly conserved and there is a small physicochemical difference between proline and alanine. In summary, the available evidence is currently insufficient to determine the role of this variant in disease. Therefore, it has been classified as a Variant of Uncertain Significance. Algorithms developed to predict the effect of missense changes on protein structure and function output the following: SIFT: "Tolerated"; PolyPhen-2: "Benign"; Align-GVGD: "Class C0". The alanine amino acid residue is found in multiple mammalian species, suggesting that this missense change does not adversely affect protein function. These predictions have not been confirmed by published functional studies and their clinical significance is uncertain. This variant has not been reported in the literature in individuals with ACD-related conditions. This variant is not present in population databases (ExAC no frequency).

NM_001082486.2(ACD):c.-36C>G

Gene: ACD (ACD shelterin complex subunit and telomerase recruitment factor; minus strand). Cytogenetic location: 16q22.1.
Variant type: single nucleotide variant.
Coding change: c.-36C>G on transcript NM_001082486.2 (MANE Select); 36 bases upstream of the start codon, C replaced by G.
Molecular consequence: 5 prime UTR variant.
Genome position (GRCh38, 1-based): chr16:67,660,256, G>C on the plus strand (C>G on the coding strand, the complement: ACD is on the minus strand). VCF-style: chr16-67660256-G-C. GRCh37 (hg19) VCF-style: chr16-67694159-G-C.
Other names: c.-36C>G (NM_022914.3).
Identifiers: ClinVar variation 1512872 (VCV001512872.11), dbSNP rs762184098, ClinGen allele CA396359354.